The following is an entry in ClinVar:

ClinVar aggregate classification (germline): Likely benign (1 of 4 stars; one submission).

Submission:

GeneDx
Classification: Likely benign. Last evaluated: 2018-06-14. Review status: criteria provided, single submitter. Criteria: GeneDx Variant Classification (06012015). Collection method: clinical testing. Allele origin: germline. Affected: yes.
Comment: This variant is considered likely benign or benign based on one or more of the following criteria: it is a conservative change, it occurs at a poorly conserved position in the protein, it is predicted to be benign by multiple in silico algorithms, and/or has population frequency not consistent with disease.

NM_006514.4(SCN10A):c.270+134AT[6]

Gene: SCN10A (sodium voltage-gated channel alpha subunit 10; minus strand). Cytogenetic location: 3p22.2.
Variant type: Microsatellite.
Coding change: c.270+134AT[6] on transcript NM_006514.4 (MANE Select); six copies in a row of the 2-base unit AT starting at c.270+134; the reference has seven copies in a row; one copy, 2 bases deleted.
Molecular consequence: intron variant.
Genome position (GRCh38, 1-based): chr3:38,793,594-38,793,595, AT deleted on the plus strand (AT on the coding strand, the reverse complement: SCN10A is on the minus strand); deleting any 2 consecutive bases within chr3:38,793,594-38,793,607 gives the same sequence; the position shown is the placement nearest the transcript's 3' end. VCF-style (leftmost placement, unchanged base first): chr3-38793593-GAT-G. GRCh37 (hg19) VCF-style: chr3-38835084-GAT-G.
Other names: c.270+134AT[6] (NM_001293307.2, NM_001293306.2).
Identifiers: ClinVar variation 670513 (VCV000670513.1), dbSNP rs146665502, ClinGen allele CA72963356.
Genomic context (GRCh38, chr3:38,793,593, plus strand): 5'-TTTAGTTAGTTTCTATCATAAATGTCATAAAAATTCAAAGAGATCATCAAATAAGTTAGA[GAT>G]ATATATATATATTTTTTTTGGTTGTTAACGGAATCTTTAGCAGACTGCCACATCACCCAG-3'